The following is an entry in ClinVar:

ClinVar aggregate classification (germline): Benign/Likely benign. Review status: criteria provided, multiple submitters, no conflicts (2 of 4 stars). 14 submissions from 11 submitters: Benign (11); Likely benign (1). 2 of the submissions do not count toward it. Last evaluated 2026-02-04.

Conditions:
Atypical hemolytic-uremic syndrome with C3 anomaly. Also called: AHUS, SUSCEPTIBILITY TO, 5. Identifiers: Orphanet 2134, MedGen C2752037, MONDO:0013043, OMIM 612925.
Age related macular degeneration 9. Identifiers: MedGen C1969651, MONDO:0012659, OMIM 611378.
Atypical hemolytic-uremic syndrome. Identifiers: Orphanet 2134, MedGen C2931788, MONDO:0016244.
Complement component 3 deficiency. Identifiers: Orphanet 280133, MedGen C3151071, MONDO:0013417, OMIM 613779.
C3 glomerulonephritis. Also called: C3 GLOMERULOPATHY 3; Nephropathy due to CFHR5 Deficiency. Identifiers: Orphanet 329931, MedGen C4055342, MONDO:0013892, OMIM 614809.

Allele frequency attached by ClinVar (database versions not stated): ESP Exome Variant Server 0.75581; gnomAD 0.76736 and 0.77217; TOPMed 0.77995; gnomAD exomes 0.79680; 1000 Genomes Project 30x 0.80918; 1000 Genomes Project 0.81490.
gnomAD v4.1: 1,239,780 of 1,613,598 alleles (77%); highest among the groups gnomAD compares: East Asian, 93%; 477,870 homozygotes.

Submissions (14):

Labcorp Genetics (formerly Invitae), Labcorp
Classification: Benign. Last evaluated: 2026-02-04. Review status: criteria provided, single submitter. Criteria: Invitae Variant Classification Sherloc (09022015). Collection method: clinical testing. Allele origin: germline.

Women's Health and Genetics/Laboratory Corporation of America, LabCorp
Classification: Benign. Last evaluated: 2026-01-21. Review status: criteria provided, single submitter. Criteria: LabCorp Variant Classification Summary - May 2015. Collection method: clinical testing. Allele origin: germline.

Genomenon, Inc
Classification: Benign for Complement component 3 deficiency; C3 glomerulonephritis; Atypical hemolytic-uremic syndrome. Last evaluated: 2025-09-30. Review status: criteria provided, single submitter. Criteria: Genomenon Sequence Variant Interpretation Standards. Collection method: curation. Allele origin: germline. Affected: no.
Comment: C3 p.Ala915= (c.2745T>C) is a synonymous variant that retains Alanine at residue 915. This variant is present at high allele frequency in population databases. In conclusion, we classify C3 p.Ala915= (c.2745T>C) as a benign variant.

Blueprint Genetics
Classification: Likely benign. Last evaluated: 2024-11-28. Review status: criteria provided, single submitter. Criteria: ACMG Guidelines, 2015. Collection method: clinical testing. Allele origin: germline.

Mayo Clinic Laboratories, Mayo Clinic
Classification: Benign. Last evaluated: 2022-03-10. Review status: criteria provided, single submitter. Criteria: ACMG Guidelines, 2015. Collection method: clinical testing. Allele origin: germline. Observed: 3,069 variant alleles.

Genome-Nilou Lab
Classification: Benign for Complement component 3 deficiency. Last evaluated: 2021-07-14. Review status: criteria provided, single submitter. Criteria: ACMG Guidelines, 2015. Collection method: clinical testing. Allele origin: germline. Affected: no.

Genome-Nilou Lab
Classification: Benign for Age related macular degeneration 9. Last evaluated: 2021-07-14. Review status: criteria provided, single submitter. Criteria: ACMG Guidelines, 2015. Collection method: clinical testing. Allele origin: germline. Affected: no.

GeneDx
Classification: Benign. Last evaluated: 2018-11-10. Review status: criteria provided, single submitter. Criteria: GeneDx Variant Classification Process June 2021. Collection method: clinical testing. Allele origin: germline. Affected: yes.

Illumina Laboratory Services, Illumina
Classification: Benign for Age related macular degeneration 9. Last evaluated: 2018-01-12. Review status: criteria provided, single submitter. Criteria: ICSL Variant Classification Criteria 13 December 2019. Collection method: clinical testing. Allele origin: germline.
Comment: This variant was observed in the ICSL laboratory as part of a predisposition screen in an ostensibly healthy population. It had not been previously curated by ICSL or reported in the Human Gene Mutation Database (HGMD: prior to June 1st, 2018), and was therefore a candidate for classification through an automated scoring system. Utilizing variant allele frequency, disease prevalence and penetrance estimates, and inheritance mode, an automated score was calculated to assess if this variant is too frequent to cause the disease. Based on the score and internal cut-off values, a variant classified as benign is not then subjected to further curation. The score for this variant resulted in a classification of benign for this disease.

Illumina Laboratory Services, Illumina
Classification: Benign for Complement component 3 deficiency. Last evaluated: 2018-01-12. Review status: criteria provided, single submitter. Criteria: ICSL Variant Classification Criteria 13 December 2019. Collection method: clinical testing. Allele origin: germline.
Comment: the same text as in the submission from Illumina Laboratory Services, Illumina above.

Illumina Laboratory Services, Illumina
Classification: Benign for Atypical hemolytic-uremic syndrome with C3 anomaly. Last evaluated: 2018-01-12. Review status: criteria provided, single submitter. Criteria: ICSL Variant Classification Criteria 13 December 2019. Collection method: clinical testing. Allele origin: germline.
Comment: the same text as in the submission from Illumina Laboratory Services, Illumina above.

Breakthrough Genomics
Classification: Benign. Review status: criteria provided, single submitter. Criteria: ACMG Guidelines, 2015. Collection method: not provided. Allele origin: germline. Inheritance: Autosomal recessive inheritance. Affected: yes.

Diagnostic Laboratory, Department of Genetics, University Medical Center Groningen
Classification: Benign. Review status: no assertion criteria provided. Collection method: clinical testing. Allele origin: germline. Affected: yes. Study: VKGL Data-share Consensus. Not counted in ClinVar's aggregate classification.

Joint Genome Diagnostic Labs from Nijmegen and Maastricht, Radboudumc and MUMC+
Classification: Benign. Review status: no assertion criteria provided. Collection method: clinical testing. Allele origin: germline. Affected: yes. Study: VKGL Data-share Consensus. Not counted in ClinVar's aggregate classification.

NM_000064.4(C3):c.2745T>C (p.Ala915=)

Gene: C3 (complement C3; minus strand). Cytogenetic location: 19p13.3.
Variant type: single nucleotide variant.
Coding change: c.2745T>C on transcript NM_000064.4 (MANE Select); coding-DNA position 2745, T replaced by C.
Protein change: p.Ala915=; no amino-acid change (alanine 915 retained).
Molecular consequence: synonymous variant.
Genome position (GRCh38, 1-based): chr19:6,697,395, A>G on the plus strand (T>C on the coding strand, the complement: C3 is on the minus strand). VCF-style: chr19-6697395-A-G. GRCh37 (hg19) VCF-style: chr19-6697406-A-G.
Other names: p.Ala915=; c.2745T>C (LRG_27t1, NM_000064.3).
Identifiers: ClinVar variation 330300 (VCV000330300.26), dbSNP rs423490, ClinGen allele CA9128980.